The following is an entry in ClinVar:

NM_001368894.2(PAX6):c.992dup (p.Thr332fs)

Gene: PAX6 (paired box 6; minus strand). Cytogenetic location: 11p13.
Variant type: Duplication.
Coding change: c.992dup on transcript NM_001368894.2 (MANE Select); coding-DNA position 992, one base duplicated (G; older notation c.992dupG).
Protein change: p.Thr332fs; shifts the reading frame from threonine 332.
Molecular consequence: frameshift variant. On other transcripts: non-coding transcript variant (2).
Genome position (GRCh38, 1-based): chr11:31,793,520, C duplicated on the plus strand (G on the coding strand, the reverse complement: PAX6 is on the minus strand). VCF-style (leftmost placement, unchanged base first): chr11-31793519-T-TC. GRCh37 (hg19) VCF-style: chr11-31815067-T-TC.
Other names: c.950dup, p.Thr318fs (NM_000280.6, NM_001127612.3, NM_001258464.2 and 10 more transcripts); c.992dup, p.Thr332fs (NM_001258462.3, NM_001258463.2, NM_001310158.2 and 6 more transcripts); c.542dup, p.Thr182fs (NM_001310160.2, NM_001310161.3, NM_001368899.2 and 11 more transcripts); c.1193dup, p.Thr399fs (NM_001368910.2); c.995dup, p.Thr333fs (NM_001368911.2); c.1067dup, p.Thr357fs (NM_001368918.2, NM_001368919.2); c.1025dup, p.Thr343fs (NM_001368920.2); c.791dup, p.Thr265fs (NM_001368921.2, NM_001368922.2, NM_001368923.2 and 4 more transcripts); and 2 more; short protein forms T117fs, T182fs, T399fs, T332fs, T333fs, T265fs, T343fs, T251fs.
Identifiers: ClinVar variation 2940886 (VCV002940886.3), dbSNP rs2495069375, ClinGen allele CA2740093663.

ClinVar aggregate classification (germline): Pathogenic (1 of 4 stars; one submission).

Conditions:
Aniridia 1 (AN1). Identifiers: Orphanet 250923, MedGen C0344542, MONDO:0024507, OMIM 106210.
Irido-corneo-trabecular dysgenesis (ASGD5). Also called: ANTERIOR SEGMENT DYSGENESIS 5. Identifiers: Orphanet 708, MedGen C0344559, MONDO:0011414, OMIM 604229, HP:0000659.

Submission:

Labcorp Genetics (formerly Invitae), Labcorp
Classification: Pathogenic for Aniridia 1; Irido-corneo-trabecular dysgenesis. Last evaluated: 2022-10-16. Review status: criteria provided, single submitter. Criteria: Invitae Variant Classification Sherloc (09022015). Collection method: clinical testing. Allele origin: germline.
Comment: For these reasons, this variant has been classified as Pathogenic. This variant has not been reported in the literature in individuals affected with PAX6-related conditions. This variant is not present in population databases (gnomAD no frequency). This sequence change creates a premature translational stop signal (p.Thr318Asnfs*23) in the PAX6 gene. It is expected to result in an absent or disrupted protein product. Loss-of-function variants in PAX6 are known to be pathogenic (PMID: 12634864).

Literature cited by the submitters: PubMed 12634864.